The following is an entry in ClinVar:

NM_000138.5(FBN1):c.3421C>G (p.Pro1141Ala)

Gene: FBN1 (fibrillin 1; minus strand). Cytogenetic location: 15q21.1.
Variant type: single nucleotide variant.
Coding change: c.3421C>G on transcript NM_000138.5 (MANE Select); coding-DNA position 3421, C replaced by G.
Protein change: p.Pro1141Ala; replaces proline 1141 with alanine.
Molecular consequence: missense variant.
Genome position (GRCh38, 1-based): chr15:48,487,354, G>C on the plus strand (C>G on the coding strand, the complement: FBN1 is on the minus strand). VCF-style: chr15-48487354-G-C. GRCh37 (hg19) VCF-style: chr15-48779551-G-C.
Other names: short protein forms P1141A.
Identifiers: ClinVar variation 920151 (VCV000920151.5), dbSNP rs2043517417, ClinGen allele CA392326351.

ClinVar aggregate classification (germline): Uncertain significance (1 of 4 stars; one submission).

Conditions:
Familial thoracic aortic aneurysm and aortic dissection (TAAD). Also called: Thoracic aortic aneurysms and dissections. Identifiers: Orphanet 91387, MedGen C4707243, MONDO:0019625.

Allele frequency attached by ClinVar (database versions not stated): gnomAD exomes below 0.00001.
gnomAD v4.1: 1 of 1,614,192 alleles (0.000062%); highest among the groups gnomAD compares: Non-Finnish European, 0.000085%; no homozygotes.

Submission:

Color Diagnostics, LLC DBA Color Health
Classification: Uncertain significance for Familial thoracic aortic aneurysm and aortic dissection. Last evaluated: 2023-12-05. Review status: criteria provided, single submitter. Criteria: ACMG Guidelines, 2015. Collection method: clinical testing. Allele origin: germline.
Comment: This missense variant replaces proline with alanine at codon 1141 of the FBN1 protein. Computational prediction tools and conservation analyses suggest that this variant may have deleterious impact on protein structure and function. Splice site prediction tools suggest that this variant may not impact RNA splicing. To our knowledge, functional studies have not been performed for this variant. This variant has not been reported in individuals affected with cardiovascular disorders in the literature. This variant has not been identified in the general population by the Genome Aggregation Database (gnomAD). The available evidence is insufficient to determine the role of this variant in disease conclusively. Therefore, this variant is classified as a Variant of Uncertain Significance.